The following is an entry in ClinVar:

ClinVar aggregate classification (germline): Uncertain significance (1 of 4 stars; one submission).

Conditions:
MC4R-related disorder. Also called: MC4R-related condition.

gnomAD v4.1: 11 of 1,614,086 alleles (0.00068%); highest among the groups gnomAD compares: African/African-American, 0.0053%; no homozygotes.

Submission:

PreventionGenetics, part of Exact Sciences
Classification: Uncertain significance for MC4R-related condition. Last evaluated: 2025-09-30. Review status: criteria provided, single submitter. Criteria: ACMG Guidelines, 2015. Collection method: clinical testing. Allele origin: germline.
Comment: The MC4R c.53G>A variant is predicted to result in the amino acid substitution p.Arg18His. This variant has been reported in individuals with autosomal dominant obesity (Lubrano-Berthelier et al. 2006. PubMed ID: 16507637; Stutzmann et al. 2008. PubMed ID: 18559663). This variant is reported in 0.0050% of alleles in individuals of East Asian descent in gnomAD. Other missense variants affecting the same amino acid (p.Arg18Cys and p.Arg18Leu), have been reported in individuals with autosomal dominant obesity (Vaisse et al. 2000. PubMed ID: 10903341; Lubrano-Berthelier et al. 2003. PubMed ID: 12851297). Although we suspect that this variant may be pathogenic, at this time, the clinical significance of this variant is uncertain due to the absence of conclusive functional and genetic evidence.

NM_005912.3(MC4R):c.53G>A (p.Arg18His)

Gene: MC4R (melanocortin 4 receptor; minus strand). Cytogenetic location: 18q21.32.
Variant type: single nucleotide variant.
Coding change: c.53G>A on transcript NM_005912.3 (MANE Select); coding-DNA position 53, G replaced by A.
Protein change: p.Arg18His; replaces arginine 18 with histidine.
Molecular consequence: missense variant.
Genome position (GRCh38, 1-based): chr18:60,372,297, C>T on the plus strand (G>A on the coding strand, the complement: MC4R is on the minus strand). VCF-style: chr18-60372297-C-T. GRCh37 (hg19) VCF-style: chr18-58039530-C-T.
Other names: short protein forms R18H.
Identifiers: ClinVar variation 4984813 (VCV004984813.1).